The following is an entry in ClinVar:

ClinVar aggregate classification (germline): Uncertain significance. Review status: criteria provided, multiple submitters, no conflicts (2 of 4 stars). 7 submissions from 6 submitters: Uncertain significance (6). 1 of the submissions does not count toward it. Last evaluated 2024-04-22.

Conditions:
Retinitis pigmentosa (RP). Identifiers: Orphanet 791, MedGen C0035334, MeSH D012174, MONDO:0019200, OMIM 268000. Inheritance: Autosomal dominant, autosomal recessive and X linked inheritance.
Retinitis pigmentosa 39 (RP39). Identifiers: Orphanet 791, MedGen C3151138, MONDO:0013436, OMIM 613809.
Usher syndrome type 2A. Also called: RETINAL DISEASE IN USHER SYNDROME TYPE IIA, MODIFIER OF; USHER SYNDROME, TYPE IIA. Identifiers: Orphanet 231178, Orphanet 886, MedGen C1848634, MONDO:0010169, OMIM 276901.

Allele frequency attached by ClinVar (database versions not stated): gnomAD 0.00001; TOPMed 0.00002; gnomAD exomes 0.00005; ExAC 0.00007; ESP Exome Variant Server 0.00008.
gnomAD v4.1: 72 of 1,613,636 alleles (0.0045%); highest among the groups gnomAD compares: Middle Eastern, 0.033%; no homozygotes.

Submissions (7):

Blueprint Genetics
Classification: Uncertain significance. Last evaluated: 2024-04-22. Review status: criteria provided, single submitter. Criteria: ACMG Guidelines, 2015. Collection method: clinical testing. Allele origin: germline.

CeGaT Center for Human Genetics Tuebingen
Classification: Uncertain significance. Last evaluated: 2024-02-01. Review status: criteria provided, single submitter. Criteria: CeGaT Center For Human Genetics Tuebingen Variant Classification Criteria Version 2. Collection method: clinical testing. Allele origin: germline. Affected: yes. Observed: 1 variant allele.
Comment: USH2A: PM2, BP4

Genome-Nilou Lab
Classification: Uncertain significance for Retinitis pigmentosa 39. Last evaluated: 2023-11-04. Review status: criteria provided, single submitter. Criteria: ACMG Guidelines, 2015. Collection method: clinical testing. Allele origin: germline. Affected: no.

Genome-Nilou Lab
Classification: Uncertain significance for Usher syndrome type 2A. Last evaluated: 2023-11-04. Review status: criteria provided, single submitter. Criteria: ACMG Guidelines, 2015. Collection method: clinical testing. Allele origin: germline. Affected: no.

Women's Health and Genetics/Laboratory Corporation of America, LabCorp
Classification: Uncertain significance. Last evaluated: 2022-12-22. Review status: criteria provided, single submitter. Criteria: LabCorp Variant Classification Summary - May 2015. Collection method: clinical testing. Allele origin: germline.
Comment: Variant summary: USH2A c.4544C>T (p.Thr1515Met) results in a non-conservative amino acid change in the encoded protein sequence. Three of four in-silico tools predict a benign effect of the variant on protein function. The variant allele was found at a frequency of 4.8e-05 in 250646 control chromosomes (gnomAD). This frequency is not significantly higher than expected for a pathogenic variant in USH2A causing Usher Syndrome (4.8e-05 vs 0.011), allowing no conclusion about variant significance. c.4544C>T has been reported in the literature in individuals affected with hearing loss and retinitis pigmentosa (e.g. Adato_2000, Sharon_2020). However, these report(s) do not provide unequivocal conclusions about association of the variant with Usher Syndrome because no co-occurrence or co-segregation data was provided. To our knowledge, no experimental evidence demonstrating an impact on protein function has been reported. One ClinVar submitter has submitted clinical-significance assessments for this variant to ClinVar after 2014 without evidence for independent evaluation and classified the variant as likely pathogenic. Based on the evidence outlined above, the variant was classified as uncertain significance.

Labcorp Genetics (formerly Invitae), Labcorp
Classification: Uncertain significance. Last evaluated: 2022-10-17. Review status: criteria provided, single submitter. Criteria: Invitae Variant Classification Sherloc (09022015). Collection method: clinical testing. Allele origin: germline.
Comment: This sequence change replaces threonine, which is neutral and polar, with methionine, which is neutral and non-polar, at codon 1515 of the USH2A protein (p.Thr1515Met). This variant is present in population databases (rs373599651, gnomAD 0.01%). This missense change has been observed in individual(s) with clinical features of Usher syndrome (PMID: 10738000, 31456290). ClinVar contains an entry for this variant (Variation ID: 812456). Advanced modeling of protein sequence and biophysical properties (such as structural, functional, and spatial information, amino acid conservation, physicochemical variation, residue mobility, and thermodynamic stability) performed at Invitae indicates that this missense variant is not expected to disrupt USH2A protein function. In summary, the available evidence is currently insufficient to determine the role of this variant in disease. Therefore, it has been classified as a Variant of Uncertain Significance.

Sharon lab, Hadassah-Hebrew University Medical Center
Classification: Likely pathogenic for Retinitis pigmentosa. Last evaluated: 2019-06-23. Review status: no assertion criteria provided. Collection method: research. Allele origin: inherited. Affected: yes. Not counted in ClinVar's aggregate classification.

Literature cited by the submitters: PubMed 31456290 (cited by Women's Health and Genetics/Laboratory Corporation of America, LabCorp and Labcorp Genetics (formerly Invitae), Labcorp); PubMed 10738000 (cited by Women's Health and Genetics/Laboratory Corporation of America, LabCorp and Labcorp Genetics (formerly Invitae), Labcorp).

NM_206933.4(USH2A):c.4544C>T (p.Thr1515Met)

Gene: USH2A (usherin; minus strand). Cytogenetic location: 1q41.
Variant type: single nucleotide variant.
Coding change: c.4544C>T on transcript NM_206933.4 (MANE Select); coding-DNA position 4544, C replaced by T.
Protein change: p.Thr1515Met; replaces threonine 1515 with methionine.
Molecular consequence: missense variant.
Genome position (GRCh38, 1-based): chr1:216,175,335, G>A on the plus strand (C>T on the coding strand, the complement: USH2A is on the minus strand). VCF-style: chr1-216175335-G-A. GRCh37 (hg19) VCF-style: chr1-216348677-G-A.
Other names: c.4544C>T, p.Thr1515Met (NM_007123.6); short protein forms T1515M.
Identifiers: ClinVar variation 812456 (VCV000812456.27), dbSNP rs373599651, ClinGen allele CA1395695.